The following is an entry in ClinVar:

NM_001243133.2(NLRP3):c.841C>G (p.Pro281Ala)

Gene: NLRP3 (NLR family pyrin domain containing 3; plus strand). Cytogenetic location: 1q44.
Variant type: single nucleotide variant.
Coding change: c.841C>G on transcript NM_001243133.2 (MANE Select); coding-DNA position 841, C replaced by G.
Protein change: p.Pro281Ala; replaces proline 281 with alanine.
Molecular consequence: missense variant.
Genome position (GRCh38, 1-based): chr1:247,424,290, C>G. VCF-style: chr1-247424290-C-G. GRCh37 (hg19) VCF-style: chr1-247587592-C-G.
Other names: c.841C>G, p.Pro281Ala (NM_001079821.3, NM_001127461.3, NM_001127462.3 and 1 more transcripts); c.847C>G, p.Pro283Ala (NM_004895.5); short protein forms P281A, P283A.
Identifiers: ClinVar variation 2570760 (VCV002570760.29), dbSNP rs1662692979, ClinGen allele CA345555548.

ClinVar aggregate classification (germline): Uncertain significance. Review status: criteria provided, multiple submitters, no conflicts (2 of 4 stars). 2 submissions from 2 submitters: Uncertain significance (2). Last evaluated 2025-01-05.

Conditions:
Cryopyrin associated periodic syndrome (CAPS). Identifiers: Orphanet 208650, MedGen C2316212, MONDO:0016168.

Submissions (2):

Labcorp Genetics (formerly Invitae), Labcorp
Classification: Uncertain significance for Cryopyrin associated periodic syndrome. Last evaluated: 2025-01-05. Review status: criteria provided, single submitter. Criteria: Invitae Variant Classification Sherloc (09022015). Collection method: clinical testing. Allele origin: germline.
Comment: This sequence change replaces proline, which is neutral and non-polar, with alanine, which is neutral and non-polar, at codon 283 of the NLRP3 protein (p.Pro283Ala). This variant is not present in population databases (gnomAD no frequency). This variant has not been reported in the literature in individuals affected with NLRP3-related conditions. ClinVar contains an entry for this variant (Variation ID: 2570760). Invitae Evidence Modeling of protein sequence and biophysical properties (such as structural, functional, and spatial information, amino acid conservation, physicochemical variation, residue mobility, and thermodynamic stability) has been performed for this missense variant. However, the output from this modeling did not meet the statistical confidence thresholds required to predict the impact of this variant on NLRP3 protein function. In summary, the available evidence is currently insufficient to determine the role of this variant in disease. Therefore, it has been classified as a Variant of Uncertain Significance.

CeGaT Center for Human Genetics Tuebingen
Classification: Uncertain significance. Last evaluated: 2023-05-01. Review status: criteria provided, single submitter. Criteria: CeGaT Center For Human Genetics Tuebingen Variant Classification Criteria Version 2. Collection method: clinical testing. Allele origin: germline. Affected: yes. Observed: 1 variant allele.
Comment: NLRP3: PM1, PM2, BP4